The following is an entry in ClinVar:

NM_170675.5(MEIS2):c.994A>G (p.Arg332Gly)

Gene: MEIS2 (Meis homeobox 2; minus strand). Cytogenetic location: 15q14.
Variant type: single nucleotide variant.
Coding change: c.994A>G on transcript NM_170675.5 (MANE Select); coding-DNA position 994, A replaced by G.
Protein change: p.Arg332Gly; replaces arginine 332 with glycine.
Molecular consequence: missense variant. On other transcripts: non-coding transcript variant (1).
Genome position (GRCh38, 1-based): chr15:36,896,670, T>C on the plus strand (A>G on the coding strand, the complement: MEIS2 is on the minus strand). VCF-style: chr15-36896670-T-C. GRCh37 (hg19) VCF-style: chr15-37188871-T-C.
Other names: c.994A>G, p.Arg332Gly (NM_001220482.2, NM_170674.5, NM_170676.5 and 1 more transcripts); c.955A>G, p.Arg319Gly (NM_002399.4, NM_172315.3); c.730A>G, p.Arg244Gly (NM_172316.3); short protein forms R244G, R319G, R332G.
Identifiers: ClinVar variation 2575802 (VCV002575802.1), dbSNP rs2504250485, ClinGen allele CA391926954.

ClinVar aggregate classification (germline): Likely pathogenic (1 of 4 stars; one submission).

Submission:

GeneDx
Classification: Likely pathogenic. Last evaluated: 2023-02-08. Review status: criteria provided, single submitter. Criteria: GeneDx Variant Classification Process June 2021. Collection method: clinical testing. Allele origin: germline. Affected: yes.
Comment: Not observed at significant frequency in large population cohorts (gnomAD); In silico analysis supports that this missense variant has a deleterious effect on protein structure/function; This variant is associated with the following publications: (PMID: 29322350)